The following is an entry in ClinVar:

NM_001111125.3(IQSEC2):c.3279G>A (p.Ser1093=)

Gene: IQSEC2 (IQ motif and Sec7 domain ArfGEF 2; minus strand). Cytogenetic location: Xp11.22.
Variant type: single nucleotide variant.
Coding change: c.3279G>A on transcript NM_001111125.3 (MANE Select); coding-DNA position 3279, G replaced by A.
Protein change: p.Ser1093=; no amino-acid change (serine 1093 retained).
Molecular consequence: synonymous variant.
Genome position (GRCh38, 1-based): chrX:53,236,494, C>T on the plus strand (G>A on the coding strand, the complement: IQSEC2 is on the minus strand). VCF-style: chrX-53236494-C-T. GRCh37 (hg19) VCF-style: chrX-53265676-C-T.
Other names: c.2664G>A, p.Ser888= (NM_015075.2).
Identifiers: ClinVar variation 689766 (VCV000689766.54), dbSNP rs1602260263, ClinGen allele CA516419731.

ClinVar aggregate classification (germline): Conflicting classifications of pathogenicity. Review status: criteria provided, conflicting classifications (1 of 4 stars). 5 submissions from 5 submitters: Pathogenic (2); Likely pathogenic (2); Uncertain significance (1). Last evaluated 2025-11-26.

Conditions:
Intellectual developmental disorder, X-linked 1. Also called: Atkin Flaitz Patil Smith syndrome; MENTAL RETARDATION, X-LINKED 18; MENTAL RETARDATION, X-LINKED 78; Intellectual disability, X-linked 1. Identifiers: Orphanet 777, MedGen C2931498, MONDO:0010656, OMIM 309530.

Submissions (5):

GeneDx
Classification: Pathogenic. Last evaluated: 2025-11-26. Review status: criteria provided, single submitter. Criteria: GeneDx Variant Classification Process June 2021. Collection method: clinical testing. Allele origin: germline. Affected: yes.
Comment: Not observed at significant frequency in large population cohorts (gnomAD); In silico analysis supports a deleterious effect on splicing; This variant is associated with the following publications: (PMID: 31216405, 39039281)

Labcorp Genetics (formerly Invitae), Labcorp
Classification: Uncertain significance for Intellectual developmental disorder, X-linked 1. Last evaluated: 2024-07-30. Review status: criteria provided, single submitter. Criteria: Invitae Variant Classification Sherloc (09022015). Collection method: clinical testing. Allele origin: germline.
Comment: This sequence change affects codon 1093 of the IQSEC2 mRNA. It is a 'silent' change, meaning that it does not change the encoded amino acid sequence of the IQSEC2 protein. This variant is not present in population databases (gnomAD no frequency). This variant has not been reported in the literature in individuals affected with IQSEC2-related conditions. ClinVar contains an entry for this variant (Variation ID: 689766). Algorithms developed to predict the effect of sequence changes on RNA splicing suggest that this variant may disrupt the consensus splice site. In summary, the available evidence is currently insufficient to determine the role of this variant in disease. Therefore, it has been classified as a Variant of Uncertain Significance.

Victorian Clinical Genetics Services, Murdoch Childrens Research Institute
Classification: Pathogenic for Intellectual developmental disorder, X-linked 1. Last evaluated: 2022-02-02. Review status: criteria provided, single submitter. Criteria: ACMG Guidelines, 2015. Collection method: clinical testing. Allele origin: germline. Inheritance: X-linked inheritance. Affected: yes.
Comment: Based on the classification scheme VCGS_Germline_v1.3.4, this variant is classified as Pathogenic. Following criteria are met: 0103 - Loss of function and gain of function are known mechanisms of disease in this gene and are associated with X-linked intellectual disability 1/78 (MIM#309530). Missense variants have been demonstrated to impair GTP binding and cause the constitutively active protein activity (PMID: 20473311, PMID: 30842726). (I) 0110 - This gene is associated with X-linked dominant disease. (I) 0210 - Splice site variant proven to affect splicing of the transcript with a known effect on protein sequence. This variants results in the use of a cryptic acceptor site, leading to the formation of a premature termination codon (p.(Ser1093*)). This protein outcome is expected to result in nonsense-mediated decay (Splicing Diagnostics, Kids Neuroscience Centre). (SP) 0253 - This variant is hemizygous. (I) 0301 - Variant is absent from gnomAD (both v2 and v3). (SP) 0701 - Other NMD-predicted variants comparable to the one identified in this case have very strong previous evidence for pathogenicity. This variants have been reported many times as pathogenic, in both affected males and females (DECIPHER). (SP) 0802 - This variant has moderate previous evidence of pathogenicity in unrelated individuals. This variant has been reported as likely pathogenic, and observed in an individual with intellectual disability (ClinVar, PMID: 30206421). (SP) Legend: (SP) - Supporting pathogenic, (I) - Information, (SB) - Supporting benign

CeGaT Center for Human Genetics Tuebingen
Classification: Likely pathogenic. Last evaluated: 2019-10-01. Review status: criteria provided, single submitter. Criteria: CeGaT Center For Human Genetics Tuebingen Variant Classification Criteria Version 2. Collection method: clinical testing. Allele origin: germline. Affected: yes. Observed: 2 variant alleles.

Baylor Genetics
Classification: Likely pathogenic for Intellectual developmental disorder, X-linked 1. Last evaluated: 2017-12-31. Review status: criteria provided, single submitter. Criteria: ACMG Guidelines, 2015. Collection method: clinical testing. Allele origin: germline. Affected: yes.

Literature cited by the submitters: PubMed 20473311 (cited by Victorian Clinical Genetics Services, Murdoch Childrens Research Institute); PubMed 30206421 (cited by Victorian Clinical Genetics Services, Murdoch Childrens Research Institute); PubMed 30842726 (cited by Victorian Clinical Genetics Services, Murdoch Childrens Research Institute).